The following is an entry in ClinVar:

ClinVar aggregate classification (germline): Uncertain significance. Review status: criteria provided, multiple submitters, no conflicts (2 of 4 stars). 5 submissions from 5 submitters: Uncertain significance (5). Last evaluated 2026-07-27.

Conditions:
Lethal Kniest-like syndrome (DDSH). Also called: Dyssegmental Dysplasia. Identifiers: Orphanet 1865, MedGen C1857100, MONDO:0009140, OMIM 224410.
Schwartz-Jampel syndrome type 1 (SJS1). Also called: MYOTONIC MYOPATHY, DWARFISM, CHONDRODYSTROPHY, AND OCULAR AND FACIAL ABNORMALITIES; CHONDRODYSTROPHIC MYOTONIA. Identifiers: MedGen C4551479, MONDO:0100435, OMIM 255800.

Allele frequency attached by ClinVar (database versions not stated): 1000 Genomes Project 0.00020; TOPMed 0.00023; 1000 Genomes Project 30x 0.00031; gnomAD 0.00016; ESP Exome Variant Server 0.00023.
gnomAD v4.1: 424 of 1,614,046 alleles (0.026%); highest among the groups gnomAD compares: South Asian, 0.11%; 2 homozygotes.

Submissions (5):

GeneDx
Classification: Uncertain significance. Last evaluated: 2026-07-27. Review status: criteria provided, single submitter. Criteria: GeneDx Variant Classification Process June 2021. Collection method: clinical testing. Allele origin: germline.
Comment: In silico analysis suggests that this missense variant does not alter protein structure/function; Has not been previously published as pathogenic or benign to our knowledge

Department of Pathology and Laboratory Medicine, Sinai Health System
Classification: Uncertain significance for Lethal Kniest-like syndrome; Schwartz-Jampel syndrome type 1. Last evaluated: 2022-06-15. Review status: criteria provided, single submitter. Criteria: ACMG Guidelines, 2015. Collection method: research. Allele origin: germline.

Labcorp Genetics (formerly Invitae), Labcorp
Classification: Uncertain significance. Last evaluated: 2022-05-07. Review status: criteria provided, single submitter. Criteria: Invitae Variant Classification Sherloc (09022015). Collection method: clinical testing. Allele origin: germline.
Comment: This sequence change replaces valine, which is neutral and non-polar, with methionine, which is neutral and non-polar, at codon 1783 of the HSPG2 protein (p.Val1783Met). This variant is present in population databases (rs200944352, gnomAD 0.1%). This variant has not been reported in the literature in individuals affected with HSPG2-related conditions. ClinVar contains an entry for this variant (Variation ID: 447555). Algorithms developed to predict the effect of missense changes on protein structure and function are either unavailable or do not agree on the potential impact of this missense change (SIFT: "Deleterious"; PolyPhen-2: "Probably Damaging"; Align-GVGD: "Class C0"). In summary, the available evidence is currently insufficient to determine the role of this variant in disease. Therefore, it has been classified as a Variant of Uncertain Significance.

Revvity Omics, Revvity
Classification: Uncertain significance. Last evaluated: 2019-10-07. Review status: criteria provided, single submitter. Criteria: ACMG Guidelines, 2015. Collection method: clinical testing. Allele origin: germline.

Athena Diagnostics
Classification: Uncertain significance. Last evaluated: 2017-11-06. Review status: criteria provided, single submitter. Criteria: Athena Diagnostics Criteria. Collection method: clinical testing. Allele origin: germline.

NM_005529.7(HSPG2):c.5347G>A (p.Val1783Met)

Gene: HSPG2 (heparan sulfate proteoglycan 2; minus strand). Cytogenetic location: 1p36.12.
Variant type: single nucleotide variant.
Coding change: c.5347G>A on transcript NM_005529.7 (MANE Select); coding-DNA position 5347, G replaced by A.
Protein change: p.Val1783Met; replaces valine 1783 with methionine.
Molecular consequence: missense variant.
Genome position (GRCh38, 1-based): chr1:21,857,332, C>T on the plus strand (G>A on the coding strand, the complement: HSPG2 is on the minus strand). VCF-style: chr1-21857332-C-T. GRCh37 (hg19) VCF-style: chr1-22183825-C-T.
Other names: c.5350G>A, p.Val1784Met (NM_001291860.2); short protein forms V1783M, V1784M.
Identifiers: ClinVar variation 447555 (VCV000447555.10), dbSNP rs200944352, ClinGen allele CA671956.